The following is an entry in ClinVar:

NM_173628.4(DNAH17):c.5454G>A (p.Pro1818=)

Genes: DNAH17 (dynein axonemal heavy chain 17; minus strand), DNAH17-AS1 (DNAH17 antisense RNA 1; plus strand). Cytogenetic location: 17q25.3.
Variant type: single nucleotide variant.
Coding change: c.5454G>A on transcript NM_173628.4 (MANE Select); coding-DNA position 5454, G replaced by A.
Protein change: p.Pro1818=; no amino-acid change (proline 1818 retained).
Molecular consequence: synonymous variant. On other transcripts: non-coding transcript variant (1).
Genome position (GRCh38, 1-based): chr17:78,501,213, C>T on the plus strand (G>A on the coding strand, the complement: DNAH17 is on the minus strand). VCF-style: chr17-78501213-C-T. GRCh37 (hg19) VCF-style: chr17-76497295-C-T.
Identifiers: ClinVar variation 2648367 (VCV002648367.25), dbSNP rs117111854, ClinGen allele CA8803258.
Genomic context (GRCh38, chr17:78,501,213, plus strand): 5'-CACATGTGAGTTACTCAGGGACGGGCCTCACCTGTCAGTGAGTGGGGTGATGACCAGCCG[C>T]GGCGTGTTGCCCAGATACTCATAGGAATACTGGATTTGGGCATCGCAGATGTTGGCAAAG-3'
Protein context (NP_775899.3, residues 1808-1828): QYSYEYLGNT[Pro1818=]RLVITPLTDR

ClinVar aggregate classification (germline): Likely benign. Review status: criteria provided, multiple submitters, no conflicts (2 of 4 stars). 2 submissions from 2 submitters: Likely benign (2). Last evaluated 2024-11-08.

Allele frequency attached by ClinVar (database versions not stated): ESP Exome Variant Server 0.00008; gnomAD exomes 0.00044; TOPMed 0.00045; gnomAD 0.00058; ExAC 0.00064; 1000 Genomes Project 0.00140; 1000 Genomes Project 30x 0.00156.
gnomAD v4.1: 741 of 1,593,188 alleles (0.047%); highest among the groups gnomAD compares: East Asian, 0.93%; 6 homozygotes.

Submissions (2):

Blueprint Genetics
Classification: Likely benign. Last evaluated: 2024-11-08. Review status: criteria provided, single submitter. Criteria: ACMG Guidelines, 2015. Collection method: clinical testing. Allele origin: germline.

CeGaT Center for Human Genetics Tuebingen
Classification: Likely benign. Last evaluated: 2023-02-01. Review status: criteria provided, single submitter. Criteria: CeGaT Center For Human Genetics Tuebingen Variant Classification Criteria Version 2. Collection method: clinical testing. Allele origin: germline. Affected: yes. Observed: 1 variant allele.
Comment: DNAH17: BP4, BP7